The following is an entry in ClinVar:

ClinVar aggregate classification (germline): Pathogenic/Likely pathogenic. Review status: criteria provided, multiple submitters, no conflicts (2 of 4 stars). 2 submissions from 2 submitters: Pathogenic (1); Likely pathogenic (1). Last evaluated 2026-04-16.

Conditions:
Leigh syndrome (NULS). Also called: LEIGH SYNDROME, NUCLEAR; Leigh's syndrome; Leigh Disease; Subacute necrotizing encephalopathy; Necrotizing encephalopathy infantile subacute of Leigh; Leigh's necrotizing encephalopathy. Identifiers: Orphanet 506, MedGen C2931891, MONDO:0009723, OMIM 256000.

Allele frequency attached by ClinVar (database versions not stated): gnomAD exomes below 0.00001.
gnomAD v4.1: 1 of 1,602,824 alleles (0.000062%); highest among the groups gnomAD compares: Admixed American, 0.0017%; no homozygotes.

Submissions (2):

Unidad de Genómica Garrahan, Hospital de Pediatría Garrahan
Classification: Likely pathogenic for Leigh syndrome. Last evaluated: 2026-04-16. Review status: criteria provided, single submitter. Criteria: ACMG Guidelines, 2015. Collection method: clinical testing. Allele origin: germline. Inheritance: Autosomal recessive inheritance. Affected: yes. Observed: 1 variant allele, 1 compound heterozygote.
Comment: The nonsense variant NM_018060.4:c.351T>G was identified in a heterozygous state within exon 2 of the IARS2 gene. The detected nucleotide change causes the appearance of a premature stop codon p.(Tyr117*), which would lead to mRNA degradation and the absence of functional proteins. Loss-of-function is a well-established disease mechanism for this gene (PMID: 33327715). The variant is reported at an extremely low frequency (<0.01) in population databases, with no homozygous individuals identified to date. Furthermore, while classified as pathogenic in one report (ClinVar VCV001468343.6), it has not yet been associated with a specific clinical phenotype." This variant was detected in a heterozygous state alongside a second variant of uncertain significance, NM_018060.4:c.1546A>G p.(Arg516Gly). However, it should be noted that parental segregation studies could not be performed to confirm the allelic phase of these variants. Criteria (PVS1, PM2).

Labcorp Genetics (formerly Invitae), Labcorp
Classification: Pathogenic. Last evaluated: 2025-10-18. Review status: criteria provided, single submitter. Criteria: Invitae Variant Classification Sherloc (09022015). Collection method: clinical testing. Allele origin: germline.
Comment: This sequence change creates a premature translational stop signal (p.Tyr117*) in the IARS2 gene. It is expected to result in an absent or disrupted protein product. Loss-of-function variants in IARS2 are known to be pathogenic (PMID: 33327715). This variant is not present in population databases (gnomAD no frequency). This variant has not been reported in the literature in individuals affected with IARS2-related conditions. ClinVar contains an entry for this variant (Variation ID: 1468343). For these reasons, this variant has been classified as Pathogenic.

Literature cited by the submitters: PubMed 33327715 (cited by Unidad de Genómica Garrahan, Hospital de Pediatría Garrahan and Labcorp Genetics (formerly Invitae), Labcorp).

NM_018060.4(IARS2):c.351T>G (p.Tyr117Ter)

Gene: IARS2 (isoleucyl-tRNA synthetase 2, mitochondrial; plus strand). Cytogenetic location: 1q41.
Variant type: single nucleotide variant.
Coding change: c.351T>G on transcript NM_018060.4 (MANE Select); coding-DNA position 351, T replaced by G.
Protein change: p.Tyr117Ter; replaces tyrosine 117 with a stop codon.
Molecular consequence: nonsense.
Genome position (GRCh38, 1-based): chr1:220,096,187, T>G. VCF-style: chr1-220096187-T-G. GRCh37 (hg19) VCF-style: chr1-220269529-T-G.
Other names: short protein forms Y117*.
Identifiers: ClinVar variation 1468343 (VCV001468343.8), dbSNP rs897456214, ClinGen allele CA37535289.